The following is an entry in ClinVar:

NM_002241.5(KCNJ10):c.659C>G (p.Thr220Ser)

Gene: KCNJ10 (potassium inwardly rectifying channel subfamily J member 10; minus strand). Cytogenetic location: 1q23.2.
Variant type: single nucleotide variant.
Coding change: c.659C>G on transcript NM_002241.5 (MANE Select); coding-DNA position 659, C replaced by G.
Protein change: p.Thr220Ser; replaces threonine 220 with serine.
Molecular consequence: missense variant.
Genome position (GRCh38, 1-based): chr1:160,041,874, G>C on the plus strand (C>G on the coding strand, the complement: KCNJ10 is on the minus strand). VCF-style: chr1-160041874-G-C. GRCh37 (hg19) VCF-style: chr1-160011664-G-C.
Other names: short protein forms T220S.
Identifiers: ClinVar variation 963003 (VCV000963003.10), dbSNP rs1446546759, ClinGen allele CA343226074.

ClinVar aggregate classification (germline): Uncertain significance (1 of 4 stars; one submission).

Conditions:
EAST syndrome (SESAMES). Also called: SEIZURES, SENSORINEURAL DEAFNESS, ATAXIA, IMPAIRED INTELLECTUAL DEVELOPMENT, AND ELECTROLYTE IMBALANCE. Identifiers: Orphanet 199343, MedGen C2748572, MONDO:0013005, OMIM 612780.

Allele frequency attached by ClinVar (database versions not stated): gnomAD 0.00001; TOPMed 0.00001.
gnomAD v4.1: 1 of 1,614,064 alleles (0.000062%); highest among the groups gnomAD compares: Non-Finnish European, 0.000085%; no homozygotes.

Submission:

Labcorp Genetics (formerly Invitae), Labcorp
Classification: Uncertain significance for EAST syndrome. Last evaluated: 2019-10-30. Review status: criteria provided, single submitter. Criteria: Invitae Variant Classification Sherloc (09022015). Collection method: clinical testing. Allele origin: germline.
Comment: This sequence change replaces threonine with serine at codon 220 of the KCNJ10 protein (p.Thr220Ser). The threonine residue is highly conserved and there is a small physicochemical difference between threonine and serine. This variant is not present in population databases (ExAC no frequency). In summary, the available evidence is currently insufficient to determine the role of this variant in disease. Therefore, it has been classified as a Variant of Uncertain Significance. Algorithms developed to predict the effect of missense changes on protein structure and function are either unavailable or do not agree on the potential impact of this missense change (SIFT: "Tolerated"; PolyPhen-2: "Possibly Damaging"; Align-GVGD: "Class C0"). This variant has not been reported in the literature in individuals with KCNJ10-related conditions.